The following is an entry in ClinVar:

NM_020297.4(ABCC9):c.1555G>A (p.Glu519Lys)

Gene: ABCC9 (ATP binding cassette subfamily C member 9; minus strand). Cytogenetic location: 12p12.1.
Variant type: single nucleotide variant.
Coding change: c.1555G>A on transcript NM_020297.4 (MANE Select); coding-DNA position 1555, G replaced by A.
Protein change: p.Glu519Lys; replaces glutamic acid 519 with lysine.
Molecular consequence: missense variant.
Genome position (GRCh38, 1-based): chr12:21,906,189, C>T on the plus strand (G>A on the coding strand, the complement: ABCC9 is on the minus strand). VCF-style: chr12-21906189-C-T. GRCh37 (hg19) VCF-style: chr12-22059123-C-T.
Other names: c.1555G>A, p.Glu519Lys (NM_001377273.1, NM_005691.4); c.691G>A, p.Glu231Lys (NM_001377274.1); short protein forms E519K, E231K.
Identifiers: ClinVar variation 2038797 (VCV002038797.4), dbSNP rs1592202268, ClinGen allele CA384139188.

ClinVar aggregate classification (germline): Uncertain significance (1 of 4 stars; one submission).

Conditions:
Dilated cardiomyopathy 1O (CMD1O). Also called: CARDIOMYOPATHY, DILATED, WITH VENTRICULAR TACHYCARDIA. Identifiers: Orphanet 154, MedGen C1837839, MONDO:0012062, OMIM 608569.

Submission:

Labcorp Genetics (formerly Invitae), Labcorp
Classification: Uncertain significance for Dilated cardiomyopathy 1O. Last evaluated: 2022-03-24. Review status: criteria provided, single submitter. Criteria: Invitae Variant Classification Sherloc (09022015). Collection method: clinical testing. Allele origin: germline.
Comment: This sequence change replaces glutamic acid, which is acidic and polar, with lysine, which is basic and polar, at codon 519 of the ABCC9 protein (p.Glu519Lys). This variant is not present in population databases (gnomAD no frequency). This variant has not been reported in the literature in individuals affected with ABCC9-related conditions. Algorithms developed to predict the effect of missense changes on protein structure and function (SIFT, PolyPhen-2, Align-GVGD) all suggest that this variant is likely to be tolerated. In summary, the available evidence is currently insufficient to determine the role of this variant in disease. Therefore, it has been classified as a Variant of Uncertain Significance.